The following is an entry in ClinVar:

ClinVar aggregate classification (germline): Uncertain significance. Review status: criteria provided, single submitter (1 of 4 stars). 2 submissions from 2 submitters: Uncertain significance (1). 1 of the submissions does not count toward it. Last evaluated 2022-08-16.

Conditions:
Retinal dystrophy. Also called: Inherited retinal dystrophy. Identifiers: Orphanet 71862, MedGen C0854723, MeSH D058499, MONDO:0019118, HP:0000556.

Allele frequency attached by ClinVar (database versions not stated): ExAC 0.00001; gnomAD 0.00001; gnomAD exomes 0.00001; ESP Exome Variant Server 0.00008.
gnomAD v4.1: 4 of 1,614,048 alleles (0.00025%); highest among the groups gnomAD compares: Admixed American, 0.0017%; no homozygotes.

Submissions (2):

Labcorp Genetics (formerly Invitae), Labcorp
Classification: Uncertain significance. Last evaluated: 2022-08-16. Review status: criteria provided, single submitter. Criteria: Invitae Variant Classification Sherloc (09022015). Collection method: clinical testing. Allele origin: germline.
Comment: This sequence change replaces serine, which is neutral and polar, with alanine, which is neutral and non-polar, at codon 902 of the TOPORS protein (p.Ser902Ala). In summary, the available evidence is currently insufficient to determine the role of this variant in disease. Therefore, it has been classified as a Variant of Uncertain Significance. Algorithms developed to predict the effect of missense changes on protein structure and function (SIFT, PolyPhen-2, Align-GVGD) all suggest that this variant is likely to be tolerated. ClinVar contains an entry for this variant (Variation ID: 1347911). This variant has not been reported in the literature in individuals affected with TOPORS-related conditions. This variant is present in population databases (rs374744430, gnomAD 0.0009%).

Institute of Human Genetics, Univ. Regensburg, Univ. Regensburg
Classification: Uncertain significance for Retinal dystrophy. Last evaluated: 2022-01-01. Review status: no assertion criteria provided. Criteria: ACMG Guidelines, 2015. Collection method: clinical testing. Allele origin: germline. Affected: yes. Not counted in ClinVar's aggregate classification.

NM_005802.5(TOPORS):c.2704T>G (p.Ser902Ala)

Gene: TOPORS (TOP1 binding arginine/serine rich protein, E3 ubiquitin ligase; minus strand). Cytogenetic location: 9p21.1.
Variant type: single nucleotide variant.
Coding change: c.2704T>G on transcript NM_005802.5 (MANE Select); coding-DNA position 2704, T replaced by G.
Protein change: p.Ser902Ala; replaces serine 902 with alanine.
Molecular consequence: missense variant.
Genome position (GRCh38, 1-based): chr9:32,541,821, A>C on the plus strand (T>G on the coding strand, the complement: TOPORS is on the minus strand). VCF-style: chr9-32541821-A-C. GRCh37 (hg19) VCF-style: chr9-32541819-A-C.
Other names: c.2509T>G, p.Ser837Ala (NM_001195622.2); short protein forms S902A, S837A.
Identifiers: ClinVar variation 1347911 (VCV001347911.9), dbSNP rs374744430, ClinGen allele CA5020319.